The following is an entry in ClinVar:

ClinVar aggregate classification (germline): Uncertain significance. Review status: criteria provided, multiple submitters, no conflicts (2 of 4 stars). 2 submissions from 2 submitters: Uncertain significance (2). Last evaluated 2024-07-12.

Conditions:
Inborn genetic diseases. Identifiers: MedGen C0950123, MeSH D030342.

Allele frequency attached by ClinVar (database versions not stated): gnomAD exomes below 0.00001; ExAC 0.00001; gnomAD 0.00001; TOPMed 0.00001; ESP Exome Variant Server 0.00008.
gnomAD v4.1: 8 of 1,613,526 alleles (0.0005%); highest among the groups gnomAD compares: African/African-American, 0.0013%; no homozygotes.

Submissions (2):

GeneDx
Classification: Uncertain significance. Last evaluated: 2024-07-12. Review status: criteria provided, single submitter. Criteria: GeneDx Variant Classification Process June 2021. Collection method: clinical testing. Allele origin: germline. Affected: yes.
Comment: Not observed at significant frequency in large population cohorts (gnomAD); In silico analysis supports that this missense variant has a deleterious effect on protein structure/function; Has not been previously published as pathogenic or benign to our knowledge

Ambry Genetics
Classification: Uncertain significance for Inborn genetic diseases. Last evaluated: 2023-09-20. Review status: criteria provided, single submitter. Criteria: Ambry Variant Classification Scheme 2023. Collection method: clinical testing. Allele origin: germline.

NM_033305.3(VPS13A):c.1687T>C (p.Ser563Pro)

Gene: VPS13A (vacuolar protein sorting 13 homolog A; plus strand). Cytogenetic location: 9q21.2.
Variant type: single nucleotide variant.
Coding change: c.1687T>C on transcript NM_033305.3 (MANE Select); coding-DNA position 1687, T replaced by C.
Protein change: p.Ser563Pro; replaces serine 563 with proline.
Molecular consequence: missense variant.
Genome position (GRCh38, 1-based): chr9:77,238,093, T>C. VCF-style: chr9-77238093-T-C. GRCh37 (hg19) VCF-style: chr9-79853009-T-C.
Other names: c.1687T>C, p.Ser563Pro (NM_001018037.2, NM_001018038.3, NM_015186.4); short protein forms S563P.
Identifiers: ClinVar variation 3188744 (VCV003188744.2), dbSNP rs375187580, ClinGen allele CA5091761.